The following is an entry in ClinVar:

NM_012200.4(B3GAT3):c.952C>T (p.Gln318Ter)

Gene: B3GAT3 (beta-1,3-glucuronyltransferase 3; minus strand). Cytogenetic location: 11q12.3.
Variant type: single nucleotide variant.
Coding change: c.952C>T on transcript NM_012200.4 (MANE Select); coding-DNA position 952, C replaced by T.
Protein change: p.Gln318Ter; replaces glutamine 318 with a stop codon.
Molecular consequence: nonsense. On other transcripts: 3 prime UTR variant (2), non-coding transcript variant (1).
Genome position (GRCh38, 1-based): chr11:62,615,757, G>A on the plus strand (C>T on the coding strand, the complement: B3GAT3 is on the minus strand). VCF-style: chr11-62615757-G-A. GRCh37 (hg19) VCF-style: chr11-62383229-G-A.
Other names: c.931C>T, p.Gln311Ter (NM_001288721.2); c.*429C>T (NM_001288722.2); c.*445C>T (NM_001288723.2); short protein forms Q311*, Q318*.
Identifiers: ClinVar variation 1498648 (VCV001498648.6), dbSNP rs2134426364, ClinGen allele CA380974072.

ClinVar aggregate classification (germline): Uncertain significance (1 of 4 stars; one submission).

Conditions:
Larsen-like syndrome, B3GAT3 type. Also called: Multiple joint dislocations, short stature, craniofacial dysmorphism, with or without congenital heart defects; MULTIPLE JOINT DISLOCATIONS, SHORT STATURE, AND CRANIOFACIAL DYSMORPHISM WITH OR WITHOUT CONGENITAL HEART DEFECTS. Identifiers: Orphanet 284139, MedGen CN034159, MONDO:0009511, OMIM 245600.

Submission:

Labcorp Genetics (formerly Invitae), Labcorp
Classification: Uncertain significance for Larsen-like syndrome, B3GAT3 type. Last evaluated: 2025-03-17. Review status: criteria provided, single submitter. Criteria: Invitae Variant Classification Sherloc (09022015). Collection method: clinical testing. Allele origin: germline.
Comment: This sequence change creates a premature translational stop signal (p.Gln318*) in the B3GAT3 gene. While this is not anticipated to result in nonsense mediated decay, it is expected to disrupt the last 18 amino acid(s) of the B3GAT3 protein. This variant is not present in population databases (gnomAD no frequency). This variant has not been reported in the literature in individuals affected with B3GAT3-related conditions. ClinVar contains an entry for this variant (Variation ID: 1498648). Algorithms developed to predict the effect of sequence changes on RNA splicing suggest that this variant may disrupt the consensus splice site. In summary, the available evidence is currently insufficient to determine the role of this variant in disease. Therefore, it has been classified as a Variant of Uncertain Significance.